The following is an entry in ClinVar:

NM_001165963.4(SCN1A):c.2357C>T (p.Ala786Val)

Gene: SCN1A (sodium voltage-gated channel alpha subunit 1; minus strand). Cytogenetic location: 2q24.3.
Variant type: single nucleotide variant.
Coding change: c.2357C>T on transcript NM_001165963.4 (MANE Select); coding-DNA position 2357, C replaced by T.
Protein change: p.Ala786Val; replaces alanine 786 with valine.
Molecular consequence: missense variant. On other transcripts: 5 prime UTR variant (1), non-coding transcript variant (1).
Genome position (GRCh38, 1-based): chr2:166,041,289, G>A on the plus strand (C>T on the coding strand, the complement: SCN1A is on the minus strand). VCF-style: chr2-166041289-G-A. GRCh37 (hg19) VCF-style: chr2-166897799-G-A.
Other names: c.2273C>T, p.Ala758Val (NM_001165964.3, NM_001353957.2, NM_001353958.2); c.2357C>T, p.Ala786Val (NM_001202435.3, NM_001353948.2); c.2324C>T, p.Ala775Val (NM_001353949.2, NM_001353950.2, NM_001353951.2 and 2 more transcripts); c.2321C>T, p.Ala774Val (NM_001353954.2, NM_001353955.2); c.2270C>T, p.Ala757Val (NM_001353960.2); c.-102C>T (NM_001353961.2); short protein forms A757V, A758V, A774V, A775V, A786V.
Identifiers: ClinVar variation 3770208 (VCV003770208.1).
Genomic context (GRCh38, chr2:166,041,289, plus strand): 5'-ACCAAGTTTCCTACTGTAAGCACATTATTGAAATGGTCCGTCATTGGATAGTGCTCCATG[G>A]CCATGAAAAGAGTATTTAAGACAATACAGATGGTGATGGCCAGGTCAACAAATGGGTCCA-3'
Protein context (NP_001159435.1, residues 776-796): ICIVLNTLFM[Ala786Val]MEHYPMTDHF

ClinVar aggregate classification (germline): Likely pathogenic (1 of 4 stars; one submission).

Conditions:
Generalized epilepsy with febrile seizures plus, type 2 (GEFSP2). Also called: GEFS+, TYPE 2. Identifiers: Orphanet 36387, MedGen C1858673, MONDO:0011461, OMIM 604403.

Submission:

Department of Neurology, Zibo Changguo Hospital
Classification: Likely pathogenic for Generalized epilepsy with febrile seizures plus, type 2. Last evaluated: 2025-01-09. Review status: criteria provided, single submitter. Criteria: ACMG Guidelines, 2015. Collection method: clinical testing. Allele origin: maternal. Inheritance: Autosomal dominant inheritance. Affected: yes.
Comment: PM1, PP3_Morderate, PM2_Supporting, PP2